The following is an entry in ClinVar:

ClinVar aggregate classification (germline): Conflicting classifications of pathogenicity. Review status: criteria provided, conflicting classifications (1 of 4 stars). 5 submissions from 5 submitters: Uncertain significance (1); Likely benign (3). 1 of the submissions does not count toward it. Last evaluated 2025-10-27.

Conditions:
KBG syndrome (KBGS). Also called: ANKRD11-Related KBG Syndrome. Identifiers: Orphanet 2332, MedGen C0220687, MONDO:0007846, OMIM 148050.
ANKRD11-related disorder. Also called: ANKRD11-related condition.

Allele frequency attached by ClinVar (database versions not stated): ESP Exome Variant Server 0.00008; TOPMed 0.00008.
gnomAD v4.1: 135 of 1,613,358 alleles (0.0084%); highest among the groups gnomAD compares: Non-Finnish European, 0.0099%; no homozygotes.

Submissions (5):

Labcorp Genetics (formerly Invitae), Labcorp
Classification: Uncertain significance for KBG syndrome. Last evaluated: 2025-10-27. Review status: criteria provided, single submitter. Criteria: Invitae Variant Classification Sherloc (09022015). Collection method: clinical testing. Allele origin: germline.
Comment: This sequence change falls in intron 12 of the ANKRD11 gene. It does not directly change the encoded amino acid sequence of the ANKRD11 protein. It affects a nucleotide within the consensus splice site. This variant is present in population databases (rs373180876, gnomAD 0.01%). This variant has not been reported in the literature in individuals affected with ANKRD11-related conditions. ClinVar contains an entry for this variant (Variation ID: 389465). Variants that disrupt the consensus splice site are a relatively common cause of aberrant splicing (PMID: 17576681, 9536098). Algorithms developed to predict the effect of sequence changes on RNA splicing suggest that this variant is not likely to affect RNA splicing. In summary, the available evidence is currently insufficient to determine the role of this variant in disease. Therefore, it has been classified as a Variant of Uncertain Significance.

Blueprint Genetics
Classification: Likely benign. Last evaluated: 2024-06-25. Review status: criteria provided, single submitter. Criteria: ACMG Guidelines, 2015. Collection method: clinical testing. Allele origin: germline.

CeGaT Center for Human Genetics Tuebingen
Classification: Likely benign. Last evaluated: 2022-02-01. Review status: criteria provided, single submitter. Criteria: CeGaT Center For Human Genetics Tuebingen Variant Classification Criteria Version 2. Collection method: clinical testing. Allele origin: germline. Affected: yes. Observed: 1 variant allele.

GeneDx
Classification: Likely benign. Last evaluated: 2020-10-01. Review status: criteria provided, single submitter. Criteria: GeneDx Variant Classification Process June 2021. Collection method: clinical testing. Allele origin: germline. Affected: yes.

PreventionGenetics, part of Exact Sciences
Classification: Likely benign for ANKRD11-related condition. Last evaluated: 2019-12-21. Review status: no assertion criteria provided. Collection method: clinical testing. Allele origin: germline. Not counted in ClinVar's aggregate classification.
Comment: This variant is classified as likely benign based on ACMG/AMP sequence variant interpretation guidelines (Richards et al. 2015 PMID: 25741868, with internal and published modifications).

Literature cited by the submitters: PubMed 17576681 (cited by Labcorp Genetics (formerly Invitae), Labcorp); PubMed 9536098 (cited by Labcorp Genetics (formerly Invitae), Labcorp).

NM_013275.6(ANKRD11):c.7806+4G>A

Gene: ANKRD11 (ankyrin repeat domain 11; minus strand). Cytogenetic location: 16q24.3.
Variant type: single nucleotide variant.
Coding change: c.7806+4G>A on transcript NM_013275.6 (MANE Select); 4 bases into the intron after coding-DNA position 7806, G replaced by A.
Molecular consequence: intron variant.
Genome position (GRCh38, 1-based): chr16:89,270,813, C>T on the plus strand (G>A on the coding strand, the complement: ANKRD11 is on the minus strand). VCF-style: chr16-89270813-C-T. GRCh37 (hg19) VCF-style: chr16-89337221-C-T.
Other names: c.7806+4G>A (NM_001256183.2, NM_001256182.2).
Identifiers: ClinVar variation 389465 (VCV000389465.41), dbSNP rs373180876, ClinGen allele CA8241011.
Genomic context (GRCh38, chr16:89,270,813, plus strand): 5'-CACCCATCACAGAACTGGGCAGCAGCCTCCCCCAGGCAGAACTGAGGGGACGCGCAACAC[C>T]GACCTTCATGCGGTCATACTTGTCATCCACGTCCTGGAGCCAGGAGATGAACTGGCGGGC-3'